The following is an entry in ClinVar:

NM_001367624.2(ZNF469):c.3751G>A (p.Ala1251Thr)

Gene: ZNF469 (zinc finger protein 469; plus strand). Cytogenetic location: 16q24.2.
Variant type: single nucleotide variant.
Coding change: c.3751G>A on transcript NM_001367624.2 (MANE Select); coding-DNA position 3751, G replaced by A.
Protein change: p.Ala1251Thr; replaces alanine 1251 with threonine.
Molecular consequence: missense variant.
Genome position (GRCh38, 1-based): chr16:88,431,221, G>A. VCF-style: chr16-88431221-G-A. GRCh37 (hg19) VCF-style: chr16-88497629-G-A.
Other names: NM_001127464.1:c.3667G>A; short protein forms A1251T.
Identifiers: ClinVar variation 1428146 (VCV001428146.6), dbSNP rs768287765, ClinGen allele CA8224883.

ClinVar aggregate classification (germline): Uncertain significance. Review status: criteria provided, multiple submitters, no conflicts (2 of 4 stars). 3 submissions from 3 submitters: Uncertain significance (3). Last evaluated 2026-06-29.

Conditions:
Cardiovascular phenotype. Identifiers: MedGen CN230736.

Allele frequency attached by ClinVar (database versions not stated): gnomAD 0.00002; gnomAD exomes 0.00003 and 0.00024; ExAC 0.00005; TOPMed 0.00008.
gnomAD v4.1: 49 of 1,550,262 alleles (0.0032%); highest among the groups gnomAD compares: Admixed American, 0.082%; no homozygotes.

Submissions (3):

Women's Health and Genetics/Laboratory Corporation of America, LabCorp
Classification: Uncertain significance. Last evaluated: 2026-06-29. Review status: criteria provided, single submitter. Criteria: LabCorp Variant Classification Summary - May 2015. Collection method: clinical testing. Allele origin: germline.

Labcorp Genetics (formerly Invitae), Labcorp
Classification: Uncertain significance. Last evaluated: 2022-07-05. Review status: criteria provided, single submitter. Criteria: Invitae Variant Classification Sherloc (09022015). Collection method: clinical testing. Allele origin: germline.
Comment: This sequence change replaces alanine, which is neutral and non-polar, with threonine, which is neutral and polar, at codon 1223 of the ZNF469 protein (p.Ala1223Thr). This variant is present in population databases (rs768287765, gnomAD 0.1%). This variant has not been reported in the literature in individuals affected with ZNF469-related conditions. ClinVar contains an entry for this variant (Variation ID: 1428146). Algorithms developed to predict the effect of missense changes on protein structure and function output the following: SIFT: "Tolerated"; PolyPhen-2: "Benign"; Align-GVGD: "Class C0". The threonine amino acid residue is found in multiple mammalian species, which suggests that this missense change does not adversely affect protein function. In summary, the available evidence is currently insufficient to determine the role of this variant in disease. Therefore, it has been classified as a Variant of Uncertain Significance.

Ambry Genetics
Classification: Uncertain significance for Cardiovascular phenotype. Last evaluated: 2020-07-21. Review status: criteria provided, single submitter. Criteria: Ambry Variant Classification Scheme 2023. Collection method: clinical testing. Allele origin: germline.
Comment: The p.A1223T variant (also known as c.3667G>A), located in coding exon 2 of the ZNF469 gene, results from a G to A substitution at nucleotide position 3667. The alanine at codon 1223 is replaced by threonine, an amino acid with similar properties. This amino acid position is poorly conserved in available vertebrate species. In addition, this alteration is predicted to be tolerated by in silico analysis. Since supporting evidence is limited at this time, the clinical significance of this alteration remains unclear.